The following is an entry in ClinVar:

ClinVar aggregate classification (germline): Uncertain significance. Review status: criteria provided, multiple submitters, no conflicts (2 of 4 stars). 3 submissions from 3 submitters: Uncertain significance (3). Last evaluated 2023-12-07.

Conditions:
Inborn genetic diseases. Identifiers: MedGen C0950123, MeSH D030342.
Neuromuscular disease caused by qualitative or quantitative defects of dysferlin. Also called: Qualitative or quantitative defects of dysferlin; Dysferlinopathy. Identifiers: Orphanet 207073, MedGen C2931687, MONDO:0016145.

Allele frequency attached by ClinVar (database versions not stated): TOPMed below 0.00001; gnomAD 0.00001; gnomAD exomes 0.00001; ExAC 0.00003; 1000 Genomes Project 30x 0.00016; 1000 Genomes Project 0.00020.
gnomAD v4.1: 20 of 1,614,124 alleles (0.0012%); highest among the groups gnomAD compares: South Asian, 0.0033%; no homozygotes.

Submissions (3):

Labcorp Genetics (formerly Invitae), Labcorp
Classification: Uncertain significance for Neuromuscular disease caused by qualitative or quantitative defects of dysferlin. Last evaluated: 2023-12-07. Review status: criteria provided, single submitter. Criteria: Invitae Variant Classification Sherloc (09022015). Collection method: clinical testing. Allele origin: germline.
Comment: This sequence change replaces asparagine, which is neutral and polar, with serine, which is neutral and polar, at codon 868 of the DYSF protein (p.Asn868Ser). This variant is present in population databases (rs559305759, gnomAD 0.007%). This variant has not been reported in the literature in individuals affected with DYSF-related conditions. ClinVar contains an entry for this variant (Variation ID: 1021657). Advanced modeling of protein sequence and biophysical properties (such as structural, functional, and spatial information, amino acid conservation, physicochemical variation, residue mobility, and thermodynamic stability) performed at Invitae indicates that this missense variant is not expected to disrupt DYSF protein function with a negative predictive value of 95%. In summary, the available evidence is currently insufficient to determine the role of this variant in disease. Therefore, it has been classified as a Variant of Uncertain Significance.

Ambry Genetics
Classification: Uncertain significance for Inborn genetic diseases. Last evaluated: 2021-12-03. Review status: criteria provided, single submitter. Criteria: Ambry Variant Classification Scheme 2023. Collection method: clinical testing. Allele origin: germline.

Revvity Omics, Revvity
Classification: Uncertain significance. Last evaluated: 2020-12-23. Review status: criteria provided, single submitter. Criteria: ACMG Guidelines, 2015. Collection method: clinical testing. Allele origin: germline.

NM_001130987.2(DYSF):c.2657A>G (p.Asn886Ser)

Gene: DYSF (dysferlin; plus strand). Cytogenetic location: 2p13.2.
Variant type: single nucleotide variant.
Coding change: c.2657A>G on transcript NM_001130987.2 (MANE Select); coding-DNA position 2657, A replaced by G.
Protein change: p.Asn886Ser; replaces asparagine 886 with serine.
Molecular consequence: missense variant.
Genome position (GRCh38, 1-based): chr2:71,568,042, A>G. VCF-style: chr2-71568042-A-G. GRCh37 (hg19) VCF-style: chr2-71795172-A-G.
Other names: c.2606A>G, p.Asn869Ser (NM_001130455.2, NM_001130983.2); c.2561A>G, p.Asn854Ser (NM_001130976.2, NM_001130977.2); c.2603A>G, p.Asn868Ser (NM_001130978.2, NM_003494.4); c.2696A>G, p.Asn899Ser (NM_001130979.2); c.2654A>G, p.Asn885Ser (NM_001130980.2, NM_001130981.2); c.2699A>G, p.Asn900Ser (NM_001130982.2); c.2564A>G, p.Asn855Ser (NM_001130984.2, NM_001130986.2); c.2657A>G, p.Asn886Ser (NM_001130985.2); and 1 more; short protein forms N854S, N855S, N868S, N869S, N885S, N886S, N899S, N900S.
Identifiers: ClinVar variation 1021657 (VCV001021657.10), dbSNP rs559305759, ClinGen allele CA1706241.